The following is an entry in ClinVar:

ClinVar aggregate classification (germline): Likely benign (1 of 4 stars; one submission).

gnomAD v4.1: 1 of 1,556,440 alleles (0.000064%); no homozygotes.

Submission:

Molecular Diagnostic Laboratory for Inherited Cardiovascular Disease, Montreal Heart Institute
Classification: Likely benign. Last evaluated: 2025-07-24. Review status: criteria provided, single submitter. Criteria: ACMG Guidelines, 2015. Collection method: clinical testing. Allele origin: germline. Affected: no.
Comment: BP7

NM_170707.4(LMNA):c.1650T>A (p.Val550=)

Gene: LMNA (lamin A/C; plus strand). Cytogenetic location: 1q22.
Variant type: single nucleotide variant.
Coding change: c.1650T>A on transcript NM_170707.4 (MANE Select); coding-DNA position 1650, T replaced by A.
Protein change: p.Val550=; no amino-acid change (valine 550 retained).
Molecular consequence: synonymous variant. On other transcripts: intron variant (1).
Genome position (GRCh38, 1-based): chr1:156,137,695, T>A. VCF-style: chr1-156137695-T-A. GRCh37 (hg19) VCF-style: chr1-156107486-T-A.
Other names: c.1314T>A, p.Val438= (NM_001257374.3, NM_001406989.1, NM_001406998.1); c.1407T>A, p.Val469= (NM_001282624.2, NM_001406986.1, NM_001406987.1); c.1650T>A, p.Val550= (NM_001282625.2, NM_001282626.2, NM_001406983.1 and 5 more transcripts); c.1353T>A, p.Val451= (NM_001406988.1); c.1092T>A, p.Val364= (NM_001406990.1, NM_001406993.1, NM_001406995.1 and 4 more transcripts); c.1026T>A, p.Val342= (NM_001406994.1, NM_001406999.1, NM_001407000.1 and 1 more transcripts); c.1608+463T>A (NM_170708.4).
Identifiers: ClinVar variation 4076414 (VCV004076414.1).